The following is an entry in ClinVar:

ClinVar aggregate classification (germline): Uncertain significance (1 of 4 stars; one submission).

Allele frequency attached by ClinVar (database versions not stated): ExAC 0.00004; gnomAD 0.00005; TOPMed 0.00005; gnomAD exomes 0.00007; ESP Exome Variant Server 0.00015.
gnomAD v4.1: 114 of 1,613,814 alleles (0.0071%); highest among the groups gnomAD compares: Admixed American, 0.013%; no homozygotes.

Submission:

GeneDx
Classification: Uncertain significance. Last evaluated: 2026-09-01. Review status: criteria provided, single submitter. Criteria: GeneDx Variant Classification Process June 2021. Collection method: clinical testing. Allele origin: germline.
Comment: In silico analysis suggests that this missense variant does not alter protein structure/function; Has not been previously published as pathogenic or benign to our knowledge; Not observed at significant frequency in large population cohorts (gnomAD)

NM_145886.4(PIDD1):c.514G>A (p.Ala172Thr)

Gene: PIDD1 (p53-induced death domain protein 1; minus strand). Cytogenetic location: 11p15.5.
Variant type: single nucleotide variant.
Coding change: c.514G>A on transcript NM_145886.4 (MANE Select); coding-DNA position 514, G replaced by A.
Protein change: p.Ala172Thr; replaces alanine 172 with threonine.
Molecular consequence: missense variant.
Genome position (GRCh38, 1-based): chr11:803,369, C>T on the plus strand (G>A on the coding strand, the complement: PIDD1 is on the minus strand). VCF-style: chr11-803369-C-T. GRCh37 (hg19) VCF-style: chr11-803369-C-T.
Other names: c.514G>A, p.Ala172Thr (NM_145887.4); short protein forms A172T.
Identifiers: ClinVar variation 2662925 (VCV002662925.2), dbSNP rs144504693, ClinGen allele CA5790437.
Genomic context (GRCh38, chr11:803,369, plus strand): 5'-CCCCCAGTGCTGGGGGCAGCGTCTGCAGGCGGTTGTGTGTCACTGTGAGGAAGGTGAGGG[C>T]GGGGAGGGCCCCCAGAGCCTCAGGCAGCTCAGAGAGGCAGTTGTGAGACAGCAAGAGCGC-3'
Protein context (NP_665893.2, residues 162-182): ELPEALGALP[Ala172Thr]LTFLTVTHNR